The following is an entry in ClinVar:

NM_000021.4(PSEN1):c.424G>A (p.Val142Ile)

Gene: PSEN1 (presenilin 1; plus strand). Cytogenetic location: 14q24.2.
Variant type: single nucleotide variant.
Coding change: c.424G>A on transcript NM_000021.4 (MANE Select); coding-DNA position 424, G replaced by A.
Protein change: p.Val142Ile; replaces valine 142 with isoleucine.
Molecular consequence: missense variant.
Genome position (GRCh38, 1-based): chr14:73,173,651, G>A. VCF-style: chr14-73173651-G-A. GRCh37 (hg19) VCF-style: chr14-73640359-G-A.
Other names: c.412G>A, p.Val138Ile (NM_007318.3); short protein forms V142I, V138I.
Identifiers: ClinVar variation 599627 (VCV000599627.3), dbSNP rs1566630910, ClinGen allele CA390304971.
Genomic context (GRCh38, chr14:73,173,651, plus strand): 5'-ACCGAGACTGTGGGCCAGAGAGCCCTGCACTCAATTCTGAATGCTGCCATCATGATCAGT[G>A]TCATTGTTGTCATGACTATCCTCCTGGTGGTTCTGTATAAATACAGGTGCTATAAGGTGA-3'
Protein context (NP_000012.1, residues 132-152): SILNAAIMIS[Val142Ile]IVVMTILLVV

ClinVar aggregate classification (germline): Conflicting classifications of pathogenicity. Review status: criteria provided, conflicting classifications (1 of 4 stars). 2 submissions from 2 submitters: Pathogenic (1); Uncertain significance (1). Last evaluated 2017-02-01.

Conditions:
Frontotemporal dementia (FTD1). Also called: WILHELMSEN-LYNCH DISEASE; Frontotemporal lobe dementia (FLDEM); FRONTOTEMPORAL LOBAR DEGENERATION WITH TAU INCLUSIONS; FTLD WITH TAU INCLUSIONS; Dementia, frontotemporal, with or without parkinsonism; Frontotemporal Dementia with Parkinsonism-17 (FTDP-17). Identifiers: Orphanet 282, MedGen C0338451, MONDO:0017276, OMIM 600274, HP:0002145.
Dilated cardiomyopathy 1U. Identifiers: Orphanet 154, MedGen C3160720, MONDO:0013371, OMIM 613694.
Pick disease. Also called: Pick Disease of the Brain; Pick's disease; PICK DISEASE OF BRAIN; DEMENTIA WITH LOBAR ATROPHY AND NEURONAL CYTOPLASMIC INCLUSIONS; LOBAR ATROPHY OF BRAIN. Identifiers: Orphanet 282, MedGen C0236642, MONDO:0008243, OMIM 172700.
Alzheimer disease 3 (AD3). Also called: ALZHEIMER DISEASE, FAMILIAL, 3. Identifiers: Orphanet 1020, MedGen C1843013, MONDO:0011913, OMIM 607822.
Acne inversa, familial, 3 (ACNINV3). Identifiers: MedGen C3151038, MONDO:0013398, OMIM 613737.
Alzheimer disease. Also called: Presenile and senile dementia; Alzheimer's disease. Identifiers: Orphanet 1020, MedGen C0002395, MeSH D000544, MONDO:0004975, HP:0002511.

Submissions (2):

Human Genetics Group at Institute of Prion Diseases London, University College London
Classification: Pathogenic for Alzheimer disease type 1. Last evaluated: 2017-02-01. Review status: criteria provided, single submitter. Criteria: Koriath et al. 2018. Collection method: clinical testing. Allele origin: inherited. Affected: yes. Observed: 1 variant allele.
Comment: The PSEN1 c.424G>A p. (Val142Ile) variant has not been previously reported in the literature or to public databases of genetic variation (ExAC, EVS, 1000G), though it is likely to be pathogenic. It causes a missense change at a highly conserved amino acid located within the second transmembrane domain of the protein, a region in which several pathogenic missense mutations have been previously reported. Analysis of affected family members would assist in the interpretation of this result.

Confirmed by Sanger sequencing

Juno Genomics, Hangzhou Juno Genomics, Inc
Classification: Uncertain significance for Acne inversa, familial, 3; Alzheimer disease 3; Dilated cardiomyopathy 1U; Frontotemporal dementia; Pick disease. Review status: criteria provided, single submitter. Criteria: ACMG Guidelines, 2015. Collection method: clinical testing. Allele origin: germline. Affected: yes.
Comment: Absent from controls (or at extremely low frequency if recessive) in Genome Aggregation Database, Exome Sequencing Project, 1000 Genomes Project, or Exome Aggregation Consortium.;The prevalence of the variant in affected individuals is significantly increased compared to the prevalence in controls.;Multiple lines of computational evidence support a deleterious effect on the gene or gene product (conservation, evolutionary, splicing impact, etc).;Patient's phenotype or family history is highly specific for a disease with a single genetic etiology.